The following is an entry in ClinVar:

ClinVar aggregate classification (germline): Uncertain significance (1 of 4 stars; one submission).

Submission:

Ambry Genetics
Classification: Uncertain significance. Last evaluated: 2025-12-13. Review status: criteria provided, single submitter. Criteria: Ambry Variant Classification Scheme 2023. Collection method: clinical testing. Allele origin: germline.
Comment: The p.I330T variant (also known as c.989T>C), located in coding exon 10 of the KIF1B gene, results from a T to C substitution at nucleotide position 989. The isoleucine at codon 330 is replaced by threonine, an amino acid with similar properties. This amino acid position is conserved. In addition, the in silico prediction for this alteration is inconclusive. Based on the available evidence, the clinical significance of this variant remains unclear.

NM_001365951.3(KIF1B):c.1007T>C (p.Ile336Thr)

Gene: KIF1B (kinesin family member 1B; plus strand). Cytogenetic location: 1p36.22.
Variant type: single nucleotide variant.
Coding change: c.1007T>C on transcript NM_001365951.3 (MANE Select); coding-DNA position 1007, T replaced by C.
Protein change: p.Ile336Thr; replaces isoleucine 336 with threonine.
Molecular consequence: missense variant.
Genome position (GRCh38, 1-based): chr1:10,276,369, T>C. VCF-style: chr1-10276369-T-C. GRCh37 (hg19) VCF-style: chr1-10336427-T-C.
Other names: c.1007T>C, p.Ile336Thr (NM_001365952.1); c.989T>C, p.Ile330Thr (NM_001365953.1, NM_015074.3, NM_183416.4); short protein forms I336T, I330T.
Identifiers: ClinVar variation 4543701 (VCV004543701.1).